The following is an entry in ClinVar:

ClinVar aggregate classification (germline): Benign/Likely benign. Review status: criteria provided, multiple submitters, no conflicts (2 of 4 stars). 2 submissions from 2 submitters: Benign (1); Likely benign (1). Last evaluated 2025-12-01.

Conditions:
Primary ciliary dyskinesia. Also called: Ciliary dyskinesia. Identifiers: Orphanet 244, MedGen C0008780, MONDO:0016575, HP:0012265.

Allele frequency attached by ClinVar (database versions not stated): ESP Exome Variant Server 0.00046; gnomAD 0.00053 and 0.00077; TOPMed 0.00067; gnomAD exomes 0.00089 and 0.00130; 1000 Genomes Project 0.00140; ExAC 0.00149; 1000 Genomes Project 30x 0.00156.

Submissions (2):

Labcorp Genetics (formerly Invitae), Labcorp
Classification: Benign for Primary ciliary dyskinesia. Last evaluated: 2025-12-01. Review status: criteria provided, single submitter. Criteria: Invitae Variant Classification Sherloc (09022015). Collection method: clinical testing. Allele origin: germline.

CeGaT Center for Human Genetics Tuebingen
Classification: Likely benign. Last evaluated: 2025-05-01. Review status: criteria provided, single submitter. Criteria: CeGaT Center For Human Genetics Tuebingen Variant Classification Criteria Version 2. Collection method: clinical testing. Allele origin: germline. Affected: yes. Observed: 1 variant allele.
Comment: DNAH8: BP4, BS2

NM_001206927.2(DNAH8):c.5364-5T>G

Gene: DNAH8 (dynein axonemal heavy chain 8; plus strand). Cytogenetic location: 6p21.2.
Variant type: single nucleotide variant.
Coding change: c.5364-5T>G on transcript NM_001206927.2 (MANE Select); 5 bases into the intron before coding-DNA position 5364, T replaced by G.
Molecular consequence: intron variant.
Genome position (GRCh38, 1-based): chr6:38,851,567, T>G. VCF-style: chr6-38851567-T-G. GRCh37 (hg19) VCF-style: chr6-38819343-T-G.
Other names: c.4713-5T>G (NM_001371.4).
Identifiers: ClinVar variation 525562 (VCV000525562.22), dbSNP rs200015017, ClinGen allele CA3789358.